The following is an entry in ClinVar:

NM_014915.3(ANKRD26):c.25G>A (p.Gly9Ser)

Genes: ANKRD26 (ankyrin repeat domain containing 26; minus strand), LOC130003554 (ATAC-STARR-seq lymphoblastoid silent region 2243; plus strand). Cytogenetic location: 10p12.1.
Variant type: single nucleotide variant.
Coding change: c.25G>A on transcript NM_014915.3 (MANE Select); coding-DNA position 25, G replaced by A.
Protein change: p.Gly9Ser; replaces glycine 9 with serine.
Molecular consequence: missense variant.
Genome position (GRCh38, 1-based): chr10:27,100,302, C>T on the plus strand (G>A on the coding strand, the complement: ANKRD26 is on the minus strand). VCF-style: chr10-27100302-C-T. GRCh37 (hg19) VCF-style: chr10-27389231-C-T.
Other names: c.25G>A, p.Gly9Ser (NM_001256053.2); short protein forms G9S.
Identifiers: ClinVar variation 3396643 (VCV003396643.1).

ClinVar aggregate classification (germline): Uncertain significance (1 of 4 stars; one submission).

Conditions:
Inborn genetic diseases. Identifiers: MedGen C0950123, MeSH D030342.

gnomAD v4.1: 2 of 1,609,388 alleles (0.00012%); highest among the groups gnomAD compares: South Asian, 0.0011%; no homozygotes.

Submission:

Ambry Genetics
Classification: Uncertain significance for Inborn genetic diseases. Last evaluated: 2024-11-24. Review status: criteria provided, single submitter. Criteria: Ambry Variant Classification Scheme 2023. Collection method: clinical testing. Allele origin: germline.
Comment: The p.G9S variant (also known as c.25G>A), located in coding exon 1 of the ANKRD26 gene, results from a G to A substitution at nucleotide position 25. The glycine at codon 9 is replaced by serine, an amino acid with similar properties. This amino acid position is conserved. In addition, this alteration is predicted to be tolerated by in silico analysis. Based on the available evidence, the clinical significance of this variant remains unclear.